The following is an entry in ClinVar:

NM_016734.3(PAX5):c.1168C>A (p.Arg390Ser)

Gene: PAX5 (paired box 5; minus strand). Cytogenetic location: 9p13.2.
Variant type: single nucleotide variant.
Coding change: c.1168C>A on transcript NM_016734.3 (MANE Select); coding-DNA position 1168, C replaced by A.
Protein change: p.Arg390Ser; replaces arginine 390 with serine.
Molecular consequence: missense variant. On other transcripts: non-coding transcript variant (2), synonymous variant (2).
Genome position (GRCh38, 1-based): chr9:36,840,568, G>T on the plus strand (C>A on the coding strand, the complement: PAX5 is on the minus strand). VCF-style: chr9-36840568-G-T. GRCh37 (hg19) VCF-style: chr9-36840565-G-T.
Other names: c.1066C>A, p.Arg356Ser (NM_001280547.2); c.1081C>A, p.Arg361Ser (NM_001280548.2); c.936C>A, p.Thr312= (NM_001280549.2); c.849C>A, p.Thr283= (NM_001280550.2); c.655C>A, p.Arg219Ser (NM_001280551.2); c.979C>A, p.Arg327Ser (NM_001280552.2); c.952C>A, p.Arg318Ser (NM_001280553.2); c.1039C>A, p.Arg347Ser (NM_001280554.2); and 2 more; short protein forms R282S, R347S, R361S, R318S, R356S, R219S, R290S, R390S.
Identifiers: ClinVar variation 5026307 (VCV005026307.1).

ClinVar aggregate classification (germline): Uncertain significance (1 of 4 stars; one submission).

Conditions:
Inborn genetic diseases. Identifiers: MedGen C0950123, MeSH D030342.

Submission:

Ambry Genetics
Classification: Uncertain significance for Inborn genetic diseases. Last evaluated: 2026-07-28. Review status: criteria provided, single submitter. Criteria: Ambry Variant Classification Scheme 2023. Collection method: clinical testing. Allele origin: germline.
Comment: The p.R390S variant (also known as c.1168C>A), located in coding exon 10 of the PAX5 gene, results from a C to A substitution at nucleotide position 1168. The arginine at codon 390 is replaced by serine, an amino acid with dissimilar properties. This amino acid position is conserved. In addition, this alteration is predicted to be deleterious by in silico analysis. Based on the available evidence, the clinical significance of this variant remains unclear.